The following is an entry in ClinVar:

ClinVar aggregate classification (germline): Uncertain significance (1 of 4 stars; one submission).

Allele frequency attached by ClinVar (database versions not stated): TOPMed 0.00001.

Submission:

Labcorp Genetics (formerly Invitae), Labcorp
Classification: Uncertain significance. Last evaluated: 2023-06-16. Review status: criteria provided, single submitter. Criteria: Invitae Variant Classification Sherloc (09022015). Collection method: clinical testing. Allele origin: germline.
Comment: This variant is not present in population databases (gnomAD no frequency). In summary, the available evidence is currently insufficient to determine the role of this variant in disease. Therefore, it has been classified as a Variant of Uncertain Significance. Advanced modeling of protein sequence and biophysical properties (such as structural, functional, and spatial information, amino acid conservation, physicochemical variation, residue mobility, and thermodynamic stability) performed at Invitae indicates that this missense variant is expected to disrupt NCSTN protein function. ClinVar contains an entry for this variant (Variation ID: 1016636). This variant has not been reported in the literature in individuals affected with NCSTN-related conditions. This sequence change replaces proline, which is neutral and non-polar, with histidine, which is basic and polar, at codon 382 of the NCSTN protein (p.Pro382His).

NM_015331.3(NCSTN):c.1145C>A (p.Pro382His)

Gene: NCSTN (nicastrin; plus strand). Cytogenetic location: 1q23.2.
Variant type: single nucleotide variant.
Coding change: c.1145C>A on transcript NM_015331.3 (MANE Select); coding-DNA position 1145, C replaced by A.
Protein change: p.Pro382His; replaces proline 382 with histidine.
Molecular consequence: missense variant.
Genome position (GRCh38, 1-based): chr1:160,353,203, C>A. VCF-style: chr1-160353203-C-A. GRCh37 (hg19) VCF-style: chr1-160322993-C-A.
Other names: c.1085C>A, p.Pro362His (NM_001290184.2); c.731C>A, p.Pro244His (NM_001290186.2); c.1145C>A, p.Pro382His (NM_001349729.2); short protein forms P244H, P362H, P382H.
Identifiers: ClinVar variation 1016636 (VCV001016636.8), dbSNP rs1173177972, ClinGen allele CA343281151.